The following is an entry in ClinVar:

ClinVar aggregate classification (germline): Uncertain significance. Review status: criteria provided, multiple submitters, no conflicts (2 of 4 stars). 3 submissions from 3 submitters: Uncertain significance (2). 1 of the submissions does not count toward it. Last evaluated 2022-07-19.

Conditions:
Bardet-Biedl syndrome 2 (BBS2). Identifiers: Orphanet 110, MedGen C2936863, MONDO:0014432, OMIM 615981.
Retinitis pigmentosa 74 (RP74). Identifiers: Orphanet 791, MedGen C4225281, MONDO:0014692, OMIM 616562.
BBS2-related disorder. Also called: BBS2-related disorders; BBS2-related condition. Identifiers: MedGen CN239228.
Bardet-Biedl syndrome (BBS). Identifiers: Orphanet 110, MedGen C0752166, MONDO:0015229.

Allele frequency attached by ClinVar (database versions not stated): gnomAD exomes below 0.00001; ExAC 0.00001; gnomAD 0.00001.
gnomAD v4.1: 5 of 1,613,984 alleles (0.00031%); highest among the groups gnomAD compares: African/African-American, 0.0013%; no homozygotes.

Submissions (3):

Labcorp Genetics (formerly Invitae), Labcorp
Classification: Uncertain significance for Bardet-Biedl syndrome. Last evaluated: 2022-07-19. Review status: criteria provided, single submitter. Criteria: Invitae Variant Classification Sherloc (09022015). Collection method: clinical testing. Allele origin: germline.
Comment: This sequence change replaces arginine, which is basic and polar, with glutamine, which is neutral and polar, at codon 480 of the BBS2 protein (p.Arg480Gln). The frequency data for this variant in the population databases is considered unreliable, as metrics indicate poor data quality at this position in the gnomAD database. This variant has not been reported in the literature in individuals affected with BBS2-related conditions. ClinVar contains an entry for this variant (Variation ID: 1512135). Algorithms developed to predict the effect of missense changes on protein structure and function are either unavailable or do not agree on the potential impact of this missense change (SIFT: "Deleterious"; PolyPhen-2: "Probably Damaging"; Align-GVGD: "Class C0"). In summary, the available evidence is currently insufficient to determine the role of this variant in disease. Therefore, it has been classified as a Variant of Uncertain Significance.

Fulgent Genetics
Classification: Uncertain significance for Bardet-Biedl syndrome 2; Retinitis pigmentosa 74. Last evaluated: 2021-07-21. Review status: criteria provided, single submitter. Criteria: ACMG Guidelines, 2015. Collection method: clinical testing. Allele origin: unknown.

PreventionGenetics, part of Exact Sciences
Classification: Uncertain significance for BBS2-related condition. Last evaluated: 2023-10-23. Review status: no assertion criteria provided. Collection method: clinical testing. Allele origin: germline. Not counted in ClinVar's aggregate classification.
Comment: The BBS2 c.1439G>A variant is predicted to result in the amino acid substitution p.Arg480Gln. To our knowledge, this variant has not been reported in the literature. This variant is reported in 0.0040% of alleles in individuals of African descent in gnomAD. At this time, the clinical significance of this variant is uncertain due to the absence of conclusive functional and genetic evidence.

NM_031885.5(BBS2):c.1439G>A (p.Arg480Gln)

Gene: BBS2 (Bardet-Biedl syndrome 2; minus strand). Cytogenetic location: 16q13.
Variant type: single nucleotide variant.
Coding change: c.1439G>A on transcript NM_031885.5 (MANE Select); coding-DNA position 1439, G replaced by A.
Protein change: p.Arg480Gln; replaces arginine 480 with glutamine.
Molecular consequence: missense variant. On other transcripts: non-coding transcript variant (5).
Genome position (GRCh38, 1-based): chr16:56,499,866, C>T on the plus strand (G>A on the coding strand, the complement: BBS2 is on the minus strand). VCF-style: chr16-56499866-C-T. GRCh37 (hg19) VCF-style: chr16-56533778-C-T.
Other names: c.1439G>A, p.Arg480Gln (NM_001377456.1); c.1439G>A (NM_031885.3); short protein forms R480Q.
Identifiers: ClinVar variation 1512135 (VCV001512135.7), dbSNP rs772380071, ClinGen allele CA8065735.